The following is an entry in ClinVar:

ClinVar aggregate classification (germline): Uncertain significance. Review status: criteria provided, multiple submitters, no conflicts (2 of 4 stars). 2 submissions from 2 submitters: Uncertain significance (2). Last evaluated 2021-11-06.

Submissions (2):

Labcorp Genetics (formerly Invitae), Labcorp
Classification: Uncertain significance. Last evaluated: 2021-11-06. Review status: criteria provided, single submitter. Criteria: Invitae Variant Classification Sherloc (09022015). Collection method: clinical testing. Allele origin: germline.
Comment: This sequence change replaces alanine, which is neutral and non-polar, with valine, which is neutral and non-polar, at codon 1571 of the ADGRV1 protein (p.Ala1571Val). This variant is not present in population databases (gnomAD no frequency). This variant has not been reported in the literature in individuals affected with ADGRV1-related conditions. ClinVar contains an entry for this variant (Variation ID: 497901). Algorithms developed to predict the effect of missense changes on protein structure and function are either unavailable or do not agree on the potential impact of this missense change (SIFT: "Deleterious"; PolyPhen-2: "Probably Damaging"; Align-GVGD: "Class C0"). Algorithms developed to predict the effect of sequence changes on RNA splicing suggest that this variant may create or strengthen a splice site. In summary, the available evidence is currently insufficient to determine the role of this variant in disease. Therefore, it has been classified as a Variant of Uncertain Significance.

Eurofins Ntd Llc (ga)
Classification: Uncertain significance. Last evaluated: 2016-11-15. Review status: criteria provided, single submitter. Criteria: EGL Classification Definitions 2015. Collection method: clinical testing. Allele origin: germline. Observed: 1 variant allele, 1 heterozygote.

NM_032119.4(ADGRV1):c.4712C>T (p.Ala1571Val)

Gene: ADGRV1 (adhesion G protein-coupled receptor V1; plus strand). Cytogenetic location: 5q14.3.
Variant type: single nucleotide variant.
Coding change: c.4712C>T on transcript NM_032119.4 (MANE Select); coding-DNA position 4712, C replaced by T.
Protein change: p.Ala1571Val; replaces alanine 1571 with valine.
Molecular consequence: missense variant. On other transcripts: non-coding transcript variant (1).
Genome position (GRCh38, 1-based): chr5:90,658,238, C>T. VCF-style: chr5-90658238-C-T. GRCh37 (hg19) VCF-style: chr5-89954055-C-T.
Other names: short protein forms A1571V.
Identifiers: ClinVar variation 497901 (VCV000497901.7), dbSNP rs1554073822, ClinGen allele CA360404976.